The following is an entry in ClinVar:

ClinVar aggregate classification (germline): Uncertain significance (1 of 4 stars; one submission).

gnomAD v4.1: 1 of 1,614,090 alleles (0.000062%); highest among the groups gnomAD compares: Non-Finnish European, 0.000085%; no homozygotes.

Submission:

CeGaT Center for Human Genetics Tuebingen
Classification: Uncertain significance. Last evaluated: 2025-06-01. Review status: criteria provided, single submitter. Criteria: CeGaT Center For Human Genetics Tuebingen Variant Classification Criteria Version 2. Collection method: clinical testing. Allele origin: germline. Affected: yes. Observed: 1 variant allele.
Comment: GSN: PM2

NM_198252.3(GSN):c.560T>C (p.Leu187Pro)

Gene: GSN (gelsolin; plus strand). Cytogenetic location: 9q33.2.
Variant type: single nucleotide variant.
Coding change: c.560T>C on transcript NM_198252.3 (MANE Select); coding-DNA position 560, T replaced by C.
Protein change: p.Leu187Pro; replaces leucine 187 with proline.
Molecular consequence: missense variant. On other transcripts: 5 prime UTR variant (1).
Genome position (GRCh38, 1-based): chr9:121,312,385, T>C. VCF-style: chr9-121312385-T-C. GRCh37 (hg19) VCF-style: chr9-124074663-T-C.
Other names: c.560T>C, p.Leu187Pro (NM_001353058.2, NM_001353059.2, NM_001353060.2 and 10 more transcripts); c.593T>C, p.Leu198Pro (NM_001353063.2, NM_001353064.2, NM_001353065.2 and 13 more transcripts); c.713T>C, p.Leu238Pro (NM_000177.5); c.668T>C, p.Leu223Pro (NM_001127663.2); c.611T>C, p.Leu204Pro (NM_001258029.2); c.584T>C, p.Leu195Pro (NM_001258030.2); c.632T>C, p.Leu211Pro (NM_001353076.2); c.-95T>C (NM_001353078.2); short protein forms L187P, L195P, L198P, L204P, L211P, L223P, L238P.
Identifiers: ClinVar variation 3906083 (VCV003906083.10).